The following is an entry in ClinVar:

NM_020884.7(MYH7B):c.1671C>A (p.Asp557Glu)

Gene: MYH7B (myosin heavy chain 7B; plus strand). Cytogenetic location: 20q11.22.
Variant type: single nucleotide variant.
Coding change: c.1671C>A on transcript NM_020884.7 (MANE Select); coding-DNA position 1671, C replaced by A.
Protein change: p.Asp557Glu; replaces aspartic acid 557 with glutamic acid.
Molecular consequence: missense variant.
Genome position (GRCh38, 1-based): chr20:34,989,823, C>A. VCF-style: chr20-34989823-C-A. GRCh37 (hg19) VCF-style: chr20-33577626-C-A.
Other names: c.1797C>A (NM_020884.4, NM_020884.3); short protein forms D557E.
Identifiers: ClinVar variation 1504009 (VCV001504009.7), dbSNP rs199858452, ClinGen allele CA9827024.
Genomic context (GRCh38, chr20:34,989,823, plus strand): 5'-GGAGGAGGAATGCATGTTCCCCAAGGCCTCAGACGCCAGCTTCCGGGCCAAGCTCTACGA[C>A]AACCACGCGGGGAAGTCACCCAATTTCCAGCAGCCTCGGCCTGACAAGAAGCGCAAGTAC-3'
Protein context (NP_065935.4, residues 547-567): SDASFRAKLY[Asp557Glu]NHAGKSPNFQ

ClinVar aggregate classification (germline): Uncertain significance. Review status: criteria provided, multiple submitters, no conflicts (2 of 4 stars). 3 submissions from 3 submitters: Uncertain significance (3). Last evaluated 2026-06-01.

Conditions:
MYH7B-related disorder. Also called: MYH7B-related condition.

Allele frequency attached by ClinVar (database versions not stated): 1000 Genomes Project 30x 0.00016; 1000 Genomes Project 0.00020; ExAC 0.00035; ESP Exome Variant Server 0.00038; gnomAD exomes 0.00044 and 0.00053; gnomAD 0.00045 and 0.00047; TOPMed 0.00050.
gnomAD v4.1: 848 of 1,614,214 alleles (0.053%); highest among the groups gnomAD compares: Admixed American, 0.067%; 1 homozygote.

Submissions (3):

PreventionGenetics, part of Exact Sciences
Classification: Uncertain significance for MYH7B-related condition. Last evaluated: 2026-06-01. Review status: criteria provided, single submitter. Criteria: ACMG Guidelines, 2015. Collection method: clinical testing. Allele origin: germline.
Comment: The MYH7B c.1797C>A variant is predicted to result in the amino acid substitution p.Asp599Glu. To our knowledge, this variant has not been reported in the literature. This variant is reported in 0.073% of alleles in individuals of Latino descent in gnomAD, which may be too frequent to be a primary cause of disease. Although we suspect that this variant may be benign, at this time, the clinical significance of this variant is uncertain due to the absence of conclusive functional and genetic evidence.

Labcorp Genetics (formerly Invitae), Labcorp
Classification: Uncertain significance. Last evaluated: 2025-11-18. Review status: criteria provided, single submitter. Criteria: Invitae Variant Classification Sherloc (09022015). Collection method: clinical testing. Allele origin: germline.
Comment: This sequence change replaces aspartic acid, which is acidic and polar, with glutamic acid, which is acidic and polar, at codon 599 of the MYH7B protein (p.Asp599Glu). This variant is present in population databases (rs199858452, gnomAD 0.08%), and has an allele count higher than expected for a pathogenic variant. This variant has not been reported in the literature in individuals affected with MYH7B-related conditions. ClinVar contains an entry for this variant (Variation ID: 1504009). Invitae Evidence Modeling of protein sequence and biophysical properties (such as structural, functional, and spatial information, amino acid conservation, physicochemical variation, residue mobility, and thermodynamic stability) indicates that this missense variant is not expected to disrupt MYH7B protein function with a negative predictive value of 80%. In summary, the available evidence is currently insufficient to determine the role of this variant in disease. Therefore, it has been classified as a Variant of Uncertain Significance.

Ambry Genetics
Classification: Uncertain significance. Last evaluated: 2021-07-14. Review status: criteria provided, single submitter. Criteria: Ambry Variant Classification Scheme 2023. Collection method: clinical testing. Allele origin: germline.